The following is an entry in ClinVar:

NM_000188.3(HK1):c.1561G>A (p.Asp521Asn)

Gene: HK1 (hexokinase 1; plus strand). Cytogenetic location: 10q22.1.
Variant type: single nucleotide variant.
Coding change: c.1561G>A on transcript NM_000188.3 (MANE Select); coding-DNA position 1561, G replaced by A.
Protein change: p.Asp521Asn; replaces aspartic acid 521 with asparagine.
Molecular consequence: missense variant.
Genome position (GRCh38, 1-based): chr10:69,382,782, G>A. VCF-style: chr10-69382782-G-A. GRCh37 (hg19) VCF-style: chr10-71142538-G-A.
Other names: c.1573G>A, p.Asp525Asn (NM_001322364.2, NM_001358263.1, NM_033497.3 and 1 more transcripts); c.1666G>A, p.Asp556Asn (NM_001322365.2); c.1477G>A, p.Asp493Asn (NM_001322366.1); c.1465G>A, p.Asp489Asn (NM_001322367.1); c.1558G>A, p.Asp520Asn (NM_033496.3); c.1525G>A, p.Asp509Asn (NM_033500.2); short protein forms D556N, D489N, D493N, D509N, D525N, D520N, D521N.
Identifiers: ClinVar variation 1467074 (VCV001467074.9), dbSNP rs762992945, ClinGen allele CA5532623.
Genomic context (GRCh38, chr10:69,382,782, plus strand): 5'-AAGCAGACGCACAACAATGCCGTGGTTAAGATGCTGCCCTCCTTCGTCCGGAGAACTCCC[G>A]ACGGGACCGGTGAGGGCCTGCTGGGGGCTGACATGCCTGTCCTGCTCCTGCCAGGAACTG-3'
Protein context (NP_000179.2, residues 511-531): MLPSFVRRTP[Asp521Asn]GTENGDFLAL

ClinVar aggregate classification (germline): Uncertain significance. Review status: criteria provided, single submitter (1 of 4 stars). 2 submissions from 2 submitters: Uncertain significance (1). 1 of the submissions does not count toward it. Last evaluated 2024-10-29.

Conditions:
Retinal dystrophy. Also called: Inherited retinal dystrophy. Identifiers: Orphanet 71862, MedGen C0854723, MeSH D058499, MONDO:0019118, HP:0000556.

Allele frequency attached by ClinVar (database versions not stated): gnomAD exomes 0.00001 and 0.00003; ExAC 0.00002.
gnomAD v4.1: 14 of 1,611,092 alleles (0.00087%); highest among the groups gnomAD compares: East Asian, 0.0045%; no homozygotes.

Submissions (2):

Labcorp Genetics (formerly Invitae), Labcorp
Classification: Uncertain significance. Last evaluated: 2024-10-29. Review status: criteria provided, single submitter. Criteria: Invitae Variant Classification Sherloc (09022015). Collection method: clinical testing. Allele origin: germline.
Comment: This sequence change replaces aspartic acid, which is acidic and polar, with asparagine, which is neutral and polar, at codon 521 of the HK1 protein (p.Asp521Asn). This variant is present in population databases (rs762992945, gnomAD 0.01%). This variant has not been reported in the literature in individuals affected with HK1-related conditions. ClinVar contains an entry for this variant (Variation ID: 1467074). Invitae Evidence Modeling of protein sequence and biophysical properties (such as structural, functional, and spatial information, amino acid conservation, physicochemical variation, residue mobility, and thermodynamic stability) indicates that this missense variant is not expected to disrupt HK1 protein function with a negative predictive value of 80%. In summary, the available evidence is currently insufficient to determine the role of this variant in disease. Therefore, it has been classified as a Variant of Uncertain Significance.

Institute of Human Genetics, Univ. Regensburg, Univ. Regensburg
Classification: Uncertain significance for Retinal dystrophy. Last evaluated: 2021-01-01. Review status: no assertion criteria provided. Criteria: ACMG Guidelines, 2015. Collection method: clinical testing. Allele origin: germline. Affected: yes. Not counted in ClinVar's aggregate classification.